The following is an entry in ClinVar:

ClinVar aggregate classification (germline): Benign/Likely benign. Review status: criteria provided, multiple submitters, no conflicts (2 of 4 stars). 6 submissions from 5 submitters: Benign (2); Likely benign (4). Last evaluated 2025-03-05.

Conditions:
Transient Neonatal Diabetes, Dominant/Recessive.
Inborn genetic diseases. Identifiers: MedGen C0950123, MeSH D030342.
Maturity-onset diabetes of the young type 10. Identifiers: Orphanet 552, MedGen C3150617, MONDO:0013240, OMIM 613370.
Neonatal insulin-dependent diabetes mellitus. Identifiers: MedGen C3278636, HP:0000857.

Allele frequency attached by ClinVar (database versions not stated): gnomAD below 0.00001 and 0.00003; TOPMed below 0.00001; ExAC 0.00008; gnomAD exomes 0.00008; 1000 Genomes Project 0.00020; 1000 Genomes Project 30x 0.00047.
gnomAD v4.1: 66 of 1,612,696 alleles (0.0041%); highest among the groups gnomAD compares: South Asian, 0.066%; no homozygotes.

Submissions (6):

Labcorp Genetics (formerly Invitae), Labcorp
Classification: Likely benign. Last evaluated: 2025-03-05. Review status: criteria provided, single submitter. Criteria: Invitae Variant Classification Sherloc (09022015). Collection method: clinical testing. Allele origin: germline.

Ambry Genetics
Classification: Likely benign for Inborn genetic diseases. Last evaluated: 2022-10-03. Review status: criteria provided, single submitter. Criteria: Ambry Variant Classification Scheme 2023. Collection method: clinical testing. Allele origin: germline.

CeGaT Center for Human Genetics Tuebingen
Classification: Likely benign. Last evaluated: 2020-07-01. Review status: criteria provided, single submitter. Criteria: CeGaT Center For Human Genetics Tuebingen Variant Classification Criteria Version 2. Collection method: clinical testing. Allele origin: germline. Affected: yes. Observed: 1 variant allele.

Illumina Laboratory Services, Illumina
Classification: Likely benign for Maturity-onset diabetes of the young type 10. Last evaluated: 2018-01-13. Review status: criteria provided, single submitter. Criteria: ICSL Variant Classification Criteria 13 December 2019. Collection method: clinical testing. Allele origin: germline.
Comment: This variant was observed in the ICSL laboratory as part of a predisposition screen in an ostensibly healthy population. It had not been previously curated by ICSL or reported in the Human Gene Mutation Database (HGMD: prior to June 1st, 2018), and was therefore a candidate for classification through an automated scoring system. Utilizing variant allele frequency, disease prevalence and penetrance estimates, and inheritance mode, an automated score was calculated to assess if this variant is too frequent to cause the disease. Based on the score and internal cut-off values, a variant classified as likely benign is not then subjected to further curation. The score for this variant resulted in a classification of likely benign for this disease.

Illumina Laboratory Services, Illumina
Classification: Benign for Transient Neonatal Diabetes, Dominant/Recessive. Last evaluated: 2018-01-13. Review status: criteria provided, single submitter. Criteria: ICSL Variant Classification Criteria 13 December 2019. Collection method: clinical testing. Allele origin: germline.
Comment: This variant was observed in the ICSL laboratory as part of a predisposition screen in an ostensibly healthy population. It had not been previously curated by ICSL or reported in the Human Gene Mutation Database (HGMD: prior to June 1st, 2018), and was therefore a candidate for classification through an automated scoring system. Utilizing variant allele frequency, disease prevalence and penetrance estimates, and inheritance mode, an automated score was calculated to assess if this variant is too frequent to cause the disease. Based on the score and internal cut-off values, a variant classified as benign is not then subjected to further curation. The score for this variant resulted in a classification of benign for this disease.

Clinical Genomics, Uppaluri K&H Personalized Medicine Clinic
Classification: Benign for Neonatal insulin-dependent diabetes mellitus. Review status: criteria provided, single submitter. Criteria: K & H Uppaluri Personalized Medicine Clinic Variant Classification & Assertion Criteria_Updated V.1. Collection method: research. Allele origin: unknown.
Comment: Mutations in INS gene can cause early onset diabetes mellitus which is insulin dependent. May have poor response to sulfonylureas, as this mutation can cause beta cell destruction. However no sufficient evidence is found to ascertain the role of this particular variant rs539284976, yet.

Literature cited by the submitters: PubMed 11921414 (cited by Clinical Genomics, Uppaluri K&H Personalized Medicine Clinic); PubMed 25542748 (cited by Clinical Genomics, Uppaluri K&H Personalized Medicine Clinic); PubMed 26101329 (cited by Clinical Genomics, Uppaluri K&H Personalized Medicine Clinic); PubMed 18171712 (cited by Clinical Genomics, Uppaluri K&H Personalized Medicine Clinic).

NM_000207.3(INS):c.72C>A (p.Ala24=)

Genes: INS (insulin; minus strand), INS-IGF2 (INS-IGF2 readthrough; minus strand). Cytogenetic location: 11p15.5.
Variant type: single nucleotide variant.
Coding change: c.72C>A on transcript NM_000207.3 (MANE Select); coding-DNA position 72, C replaced by A.
Protein change: p.Ala24=; no amino-acid change (alanine 24 retained).
Molecular consequence: synonymous variant. On other transcripts: non-coding transcript variant (1).
Genome position (GRCh38, 1-based): chr11:2,160,900, G>T on the plus strand (C>A on the coding strand, the complement: INS is on the minus strand). VCF-style: chr11-2160900-G-T. GRCh37 (hg19) VCF-style: chr11-2182130-G-T.
Other names: c.72C>A, p.Ala24= (NM_001185097.2, NM_001185098.2, NM_001291897.2 and 1 more transcripts).
Identifiers: ClinVar variation 880304 (VCV000880304.51), dbSNP rs539284976, ClinGen allele CA5818191.